The following is an entry in ClinVar:

ClinVar aggregate classification (germline): Likely benign. Review status: criteria provided, multiple submitters, no conflicts (2 of 4 stars). 3 submissions from 3 submitters: Likely benign (3). Last evaluated 2025-12-01.

Conditions:
Cardiovascular phenotype. Identifiers: MedGen CN230736.
Autosomal recessive limb-girdle muscular dystrophy type 2J (LGMDR10). Also called: Limb-girdle muscular dystrophy, type 2J; MUSCULAR DYSTROPHY, LIMB-GIRDLE, AUTOSOMAL RECESSIVE 10. Identifiers: Orphanet 140922, MedGen C1837342, MONDO:0012127, OMIM 608807.
Dilated cardiomyopathy 1G (CMD1G). Identifiers: Orphanet 154, MedGen C1858763, MONDO:0011400, OMIM 604145.

Allele frequency attached by ClinVar (database versions not stated): gnomAD exomes below 0.00001; TOPMed below 0.00001; gnomAD 0.00001.
gnomAD v4.1: 7 of 1,591,974 alleles (0.00044%); highest among the groups gnomAD compares: Admixed American, 0.0069%; no homozygotes.

Submissions (3):

Labcorp Genetics (formerly Invitae), Labcorp
Classification: Likely benign for Dilated cardiomyopathy 1G; Autosomal recessive limb-girdle muscular dystrophy type 2J. Last evaluated: 2025-12-01. Review status: criteria provided, single submitter. Criteria: Invitae Variant Classification Sherloc (09022015). Collection method: clinical testing. Allele origin: germline.

Ambry Genetics
Classification: Likely benign for Cardiovascular phenotype. Last evaluated: 2025-07-06. Review status: criteria provided, single submitter. Criteria: Ambry Variant Classification Scheme 2023. Collection method: clinical testing. Allele origin: germline.

CeGaT Center for Human Genetics Tuebingen
Classification: Likely benign. Last evaluated: 2023-12-01. Review status: criteria provided, single submitter. Criteria: CeGaT Center For Human Genetics Tuebingen Variant Classification Criteria Version 2. Collection method: clinical testing. Allele origin: germline. Affected: yes. Observed: 1 variant allele.
Comment: TTN: BP4, BP7

NM_001267550.2(TTN):c.65802T>C (p.Tyr21934=)

Genes: TTN (titin; minus strand), TTN-AS1 (TTN antisense RNA 1; plus strand). Cytogenetic location: 2q31.2.
Variant type: single nucleotide variant.
Coding change: c.65802T>C on transcript NM_001267550.2 (MANE Select); coding-DNA position 65802, T replaced by C.
Protein change: p.Tyr21934=; no amino-acid change (tyrosine 21934 retained).
Molecular consequence: synonymous variant. On other transcripts: non-coding transcript variant (1).
Genome position (GRCh38, 1-based): chr2:178,583,001, A>G on the plus strand (T>C on the coding strand, the complement: TTN is on the minus strand). VCF-style: chr2-178583001-A-G. GRCh37 (hg19) VCF-style: chr2-179447728-A-G.
Other names: c.60879T>C, p.Tyr20293= (NM_001256850.1); c.38607T>C, p.Tyr12869= (NM_003319.4); c.58098T>C, p.Tyr19366= (NM_133378.4); c.38982T>C, p.Tyr12994= (NM_133432.3); c.39183T>C, p.Tyr13061= (NM_133437.4).
Identifiers: ClinVar variation 1585903 (VCV001585903.31), dbSNP rs980406493, ClinGen allele CA60960677.
Genomic context (GRCh38, chr2:178,583,001, plus strand): 5'-TAACACTTTAAGCTTAATGGTGGCTGATTTAGAACCACTTGAATTTTCAGCAGTAATGGT[A>G]TAGTCTCCTGAGTCCTTCCGGTTCACGCTGAATAGCTCCAAGGTGCACAGATTCCGCTGC-3'
Protein context (NP_001254479.2, residues 21924-21944): FSVNRKDSGD[Tyr21934=]TITAENSSGS